The following is an entry in ClinVar:

NM_000257.4(MYH7):c.1747G>A (p.Ala583Thr)

Gene: MYH7 (myosin heavy chain 7; minus strand). Cytogenetic location: 14q11.2.
Variant type: single nucleotide variant.
Coding change: c.1747G>A on transcript NM_000257.4 (MANE Select); coding-DNA position 1747, G replaced by A.
Protein change: p.Ala583Thr; replaces alanine 583 with threonine.
Molecular consequence: missense variant.
Genome position (GRCh38, 1-based): chr14:23,427,726, C>T on the plus strand (G>A on the coding strand, the complement: MYH7 is on the minus strand). VCF-style: chr14-23427726-C-T. GRCh37 (hg19) VCF-style: chr14-23896935-C-T.
Other names: c.1747G>A, p.Ala583Thr (NM_001407004.1); short protein forms A583T.
Identifiers: ClinVar variation 4114873 (VCV004114873.1).

ClinVar aggregate classification (germline): Uncertain significance (1 of 4 stars; one submission).

Conditions:
Cardiovascular phenotype. Identifiers: MedGen CN230736.

Submission:

Ambry Genetics
Classification: Uncertain significance for Cardiovascular phenotype. Last evaluated: 2025-06-19. Review status: criteria provided, single submitter. Criteria: Ambry Variant Classification Scheme 2023. Collection method: clinical testing. Allele origin: germline.
Comment: The p.A583T variant (also known as c.1747G>A), located in coding exon 14 of the MYH7 gene, results from a G to A substitution at nucleotide position 1747. The alanine at codon 583 is replaced by threonine, an amino acid with similar properties. This amino acid position is highly conserved in available vertebrate species. In addition, this alteration is predicted to be deleterious by in silico analysis. Based on the available evidence, the clinical significance of this variant remains unclear.